The following is an entry in ClinVar:

NM_025074.7(FRAS1):c.586C>T (p.Pro196Ser)

Gene: FRAS1 (Fraser extracellular matrix complex subunit 1; plus strand). Cytogenetic location: 4q21.21.
Variant type: single nucleotide variant.
Coding change: c.586C>T on transcript NM_025074.7 (MANE Select); coding-DNA position 586, C replaced by T.
Protein change: p.Pro196Ser; replaces proline 196 with serine.
Molecular consequence: missense variant.
Genome position (GRCh38, 1-based): chr4:78,255,358, C>T. VCF-style: chr4-78255358-C-T. GRCh37 (hg19) VCF-style: chr4-79176512-C-T.
Other names: c.586C>T, p.Pro196Ser (NM_001166133.2); short protein forms P196S.
Identifiers: ClinVar variation 2521685 (VCV002521685.3), dbSNP rs1368788972, ClinGen allele CA357352566.

ClinVar aggregate classification (germline): Uncertain significance. Review status: criteria provided, multiple submitters, no conflicts (2 of 4 stars). 2 submissions from 2 submitters: Uncertain significance (2). Last evaluated 2025-03-13.

Conditions:
Inborn genetic diseases. Identifiers: MedGen C0950123, MeSH D030342.

gnomAD v4.1: 3 of 1,592,998 alleles (0.00019%); no homozygotes.

Submissions (2):

Labcorp Genetics (formerly Invitae), Labcorp
Classification: Uncertain significance. Last evaluated: 2025-03-13. Review status: criteria provided, single submitter. Criteria: Invitae Variant Classification Sherloc (09022015). Collection method: clinical testing. Allele origin: germline.
Comment: This sequence change replaces proline, which is neutral and non-polar, with serine, which is neutral and polar, at codon 196 of the FRAS1 protein (p.Pro196Ser). The frequency data for this variant in the population databases is considered unreliable, as metrics indicate poor data quality at this position in the gnomAD database. This variant has not been reported in the literature in individuals affected with FRAS1-related conditions. ClinVar contains an entry for this variant (Variation ID: 2521685). An algorithm developed to predict the effect of missense changes on protein structure and function (PolyPhen-2) suggests that this variant is likely to be disruptive. In summary, the available evidence is currently insufficient to determine the role of this variant in disease. Therefore, it has been classified as a Variant of Uncertain Significance.

Ambry Genetics
Classification: Uncertain significance for Inborn genetic diseases. Last evaluated: 2023-04-18. Review status: criteria provided, single submitter. Criteria: Ambry Variant Classification Scheme 2023. Collection method: clinical testing. Allele origin: germline.